The following is an entry in ClinVar:

ClinVar aggregate classification (germline): Conflicting classifications of pathogenicity. Review status: criteria provided, conflicting classifications (1 of 4 stars). 2 submissions from 2 submitters: Uncertain significance (1); Likely benign (1). Last evaluated 2025-05-18.

Conditions:
Cardiovascular phenotype. Identifiers: MedGen CN230736.
Noonan syndrome 9 (NS9). Identifiers: Orphanet 648, MedGen C4225282, MONDO:0014691, OMIM 616559.

gnomAD v4.1: 2 of 1,610,234 alleles (0.00012%); highest among the groups gnomAD compares: African/African-American, 0.0027%; no homozygotes.

Submissions (2):

Ambry Genetics
Classification: Uncertain significance for Cardiovascular phenotype. Last evaluated: 2025-05-18. Review status: criteria provided, single submitter. Criteria: Ambry Variant Classification Scheme 2023. Collection method: clinical testing. Allele origin: germline.
Comment: The p.S1202N variant (also known as c.3605G>A), located in coding exon 23 of the SOS2 gene, results from a G to A substitution at nucleotide position 3605. The serine at codon 1202 is replaced by asparagine, an amino acid with highly similar properties. This amino acid position is conserved. In addition, this alteration is predicted to be tolerated by in silico analysis. Based on the available evidence, the clinical significance of this variant remains unclear.

Labcorp Genetics (formerly Invitae), Labcorp
Classification: Likely benign for Noonan syndrome 9. Last evaluated: 2024-07-06. Review status: criteria provided, single submitter. Criteria: Invitae Variant Classification Sherloc (09022015). Collection method: clinical testing. Allele origin: germline.

NM_006939.4(SOS2):c.3605G>A (p.Ser1202Asn)

Gene: SOS2 (SOS Ras/Rho guanine nucleotide exchange factor 2; minus strand). Cytogenetic location: 14q21.3.
Variant type: single nucleotide variant.
Coding change: c.3605G>A on transcript NM_006939.4 (MANE Select); coding-DNA position 3605, G replaced by A.
Protein change: p.Ser1202Asn; replaces serine 1202 with asparagine.
Molecular consequence: missense variant.
Genome position (GRCh38, 1-based): chr14:50,118,738, C>T on the plus strand (G>A on the coding strand, the complement: SOS2 is on the minus strand). VCF-style: chr14-50118738-C-T. GRCh37 (hg19) VCF-style: chr14-50585456-C-T.
Other names: c.3506G>A, p.Ser1169Asn (NM_001411020.1); c.3605G>A (NM_006939.2); short protein forms S1169N, S1202N.
Identifiers: ClinVar variation 3615981 (VCV003615981.3).